The following is an entry in ClinVar:

NM_212482.4(FN1):c.4217C>T (p.Ser1406Leu)

Genes: FN1 (fibronectin 1; minus strand), LOC126806497 (BRD4-independent group 4 enhancer GRCh37_chr2:216255920-216257119; plus strand). Cytogenetic location: 2q35.
Variant type: single nucleotide variant.
Coding change: c.4217C>T on transcript NM_212482.4 (MANE Select); coding-DNA position 4217, C replaced by T.
Protein change: p.Ser1406Leu; replaces serine 1406 with leucine.
Molecular consequence: missense variant.
Genome position (GRCh38, 1-based): chr2:215,391,667, G>A on the plus strand (C>T on the coding strand, the complement: FN1 is on the minus strand). VCF-style: chr2-215391667-G-A. GRCh37 (hg19) VCF-style: chr2-216256390-G-A.
Other names: c.4217C>T, p.Ser1406Leu (NM_001306129.2, NM_001306130.2, NM_001365517.2 and 3 more transcripts); c.3944C>T, p.Ser1315Leu (NM_001306131.2, NM_001306132.2, NM_001365518.2 and 7 more transcripts); short protein forms S1315L, S1406L.
Identifiers: ClinVar variation 1432363 (VCV001432363.7), dbSNP rs1334066739, ClinGen allele CA350483914.

ClinVar aggregate classification (germline): Uncertain significance. Review status: criteria provided, multiple submitters, no conflicts (2 of 4 stars). 2 submissions from 2 submitters: Uncertain significance (2). Last evaluated 2022-02-21.

Conditions:
Spondylometaphyseal dysplasia - Sutcliffe type. Also called: Spondylometaphyseal dysplasia, 'corner fracture' type; Spondylometaphyseal Dysplasia, Corner Fracture Type; Sutcliffe type of spondylometaphyseal dysplasia; Sutcliffe SMD. Identifiers: Orphanet 93315, MedGen C0432221, MONDO:0008479, OMIM 184255.
Glomerulopathy with fibronectin deposits 2 (GFND2). Identifiers: Orphanet 84090, MedGen C1866075, MONDO:0011165, OMIM 601894.

Allele frequency attached by ClinVar (database versions not stated): gnomAD exomes below 0.00001; TOPMed below 0.00001.
gnomAD v4.1: 2 of 1,614,050 alleles (0.00012%); highest among the groups gnomAD compares: Non-Finnish European, 0.00017%; no homozygotes.

Submissions (2):

Fulgent Genetics
Classification: Uncertain significance for Spondylometaphyseal dysplasia - Sutcliffe type; Glomerulopathy with fibronectin deposits 2. Last evaluated: 2022-02-21. Review status: criteria provided, single submitter. Criteria: ACMG Guidelines, 2015. Collection method: clinical testing. Allele origin: unknown.

Labcorp Genetics (formerly Invitae), Labcorp
Classification: Uncertain significance. Last evaluated: 2021-01-27. Review status: criteria provided, single submitter. Criteria: Invitae Variant Classification Sherloc (09022015). Collection method: clinical testing. Allele origin: germline.
Comment: In summary, the available evidence is currently insufficient to determine the role of this variant in disease. Therefore, it has been classified as a Variant of Uncertain Significance. Algorithms developed to predict the effect of missense changes on protein structure and function are either unavailable or do not agree on the potential impact of this missense change (SIFT: "Not Available"; PolyPhen-2: "Possibly Damaging"; Align-GVGD: "Not Available"). This variant has not been reported in the literature in individuals with FN1-related conditions. This variant is not present in population databases (ExAC no frequency). This sequence change replaces serine with leucine at codon 1406 of the FN1 protein (p.Ser1406Leu). The serine residue is moderately conserved and there is a large physicochemical difference between serine and leucine.